The following is an entry in ClinVar:

ClinVar aggregate classification (germline): Pathogenic (1 of 4 stars; one submission).

Conditions:
Familial cancer of breast. Also called: hereditary breast carcinoma; BREAST CANCER, FAMILIAL; Hereditary breast cancer. Identifiers: Orphanet 227535, MedGen C0346153, MONDO:0016419, OMIM 114480. Disease mechanism: loss of function.

Submission:

Labcorp Genetics (formerly Invitae), Labcorp
Classification: Pathogenic for Familial cancer of breast. Last evaluated: 2022-04-28. Review status: criteria provided, single submitter. Criteria: Invitae Variant Classification Sherloc (09022015). Collection method: clinical testing. Allele origin: germline.
Comment: This sequence change creates a premature translational stop signal (p.Ser766*) in the PALB2 gene. It is expected to result in an absent or disrupted protein product. Loss-of-function variants in PALB2 are known to be pathogenic (PMID: 17200668, 17200671, 17200672, 24136930, 25099575). This variant is not present in population databases (gnomAD no frequency). This variant has not been reported in the literature in individuals affected with PALB2-related conditions. For these reasons, this variant has been classified as Pathogenic.

Literature cited by the submitters: PubMed 17200668; PubMed 17200671; PubMed 17200672; PubMed 24136930; PubMed 25099575.

NM_024675.4(PALB2):c.2297del (p.Asp765_Ser766insTer)

Gene: PALB2 (partner and localizer of BRCA2; minus strand). Cytogenetic location: 16p12.2.
Variant type: Deletion.
Coding change: c.2297del on transcript NM_024675.4 (MANE Select); coding-DNA position 2297, one base deleted (C; older notation c.2297delC).
Protein change: p.Asp765_Ser766insTer.
Molecular consequence: nonsense. On other transcripts: frameshift variant (17).
Genome position (GRCh38, 1-based): chr16:23,629,857, G deleted on the plus strand (C on the coding strand, the reverse complement: PALB2 is on the minus strand). VCF-style (leftmost placement, unchanged base first): chr16-23629856-TG-T. GRCh37 (hg19) VCF-style: chr16-23641177-TG-T.
Other names: c.2237delC, p.Ser746Terfs (NM_001407296.1); c.2297delC, p.Ser766Terfs (NM_001407297.1, NM_001407298.1, NM_001407299.1 and 3 more transcripts); c.1412delC, p.Ser471Terfs (NM_001407304.1, NM_001407305.1, NM_001407306.1 and 5 more transcripts); c.509delC, p.Ser170Terfs (NM_001407312.1, NM_001407313.1).
Identifiers: ClinVar variation 2091678 (VCV002091678.4), dbSNP rs2506412613, ClinGen allele CA2580091339.